The following is an entry in ClinVar:

ClinVar aggregate classification (germline): Pathogenic (1 of 4 stars; one submission).

Conditions:
Fanconi anemia (FA). Also called: Fanconi's anemia. Identifiers: Orphanet 84, MedGen C0015625, MeSH D005199, MONDO:0019391.

Submission:

Labcorp Genetics (formerly Invitae), Labcorp
Classification: Pathogenic for Fanconi anemia. Last evaluated: 2023-03-08. Review status: criteria provided, single submitter. Criteria: Invitae Variant Classification Sherloc (09022015). Collection method: clinical testing. Allele origin: germline.
Comment: This sequence change creates a premature translational stop signal (p.Phe775Cysfs*32) in the FANCI gene. It is expected to result in an absent or disrupted protein product. Loss-of-function variants in FANCI are known to be pathogenic (PMID: 17452773, 17460694). This variant is not present in population databases (gnomAD no frequency). This variant has not been reported in the literature in individuals affected with FANCI-related conditions. For these reasons, this variant has been classified as Pathogenic.

Literature cited by the submitters: PubMed 17452773; PubMed 17460694.

NM_001113378.2(FANCI):c.2324_2327del (p.Phe775fs)

Gene: FANCI (FA complementation group I; plus strand). Cytogenetic location: 15q26.1.
Variant type: Microsatellite.
Coding change: c.2324_2327del on transcript NM_001113378.2 (MANE Select); coding-DNA positions 2324 to 2327, 4 bases deleted (TTAT; older notation c.2324_2327delTTAT).
Protein change: p.Phe775fs; shifts the reading frame from phenylalanine 775.
Molecular consequence: frameshift variant.
Genome position (GRCh38, 1-based): chr15:89,293,865-89,293,868, TTAT deleted; deleting any 4 consecutive bases within chr15:89,293,861-89,293,868 gives the same sequence; the c. name uses the placement nearest the transcript's 3' end. VCF-style (leftmost placement, unchanged base first): chr15-89293860-CTTAT-C. GRCh37 (hg19) VCF-style: chr15-89837091-CTTAT-C.
Other names: c.2045_2048del, p.Phe682fs (NM_001376910.1); c.2324_2327del, p.Phe775fs (NM_001376911.1, NM_018193.3); short protein forms F775fs, F682fs.
Identifiers: ClinVar variation 2843662 (VCV002843662.3), dbSNP rs2507440343, ClinGen allele CA2739269657.
Genomic context (GRCh38, chr15:89,293,860, plus strand): 5'-TGTCCTTAGCGGTCTCTTTTTTGTTTTTTACAGTAAGAATAGGTTTGAGGACATTCTGAG[CTTAT>C]TTATGTGTTACAAAAAACTCTCTGACATTCTTAATGAAAAAGCGGGTAAAGCCAAAACTA-3'